The following is an entry in ClinVar:

NM_000018.4(ACADVL):c.829_831del (p.Glu277del)

Gene: ACADVL (acyl-CoA dehydrogenase very long chain; plus strand). Cytogenetic location: 17p13.1.
Variant type: Deletion.
Coding change: c.829_831del on transcript NM_000018.4 (MANE Select); coding-DNA positions 829 to 831, 3 bases deleted (GAG; older notation c.829_831delGAG).
Protein change: p.Glu277del; deletes glutamic acid 277.
Molecular consequence: inframe deletion.
Genome position (GRCh38, 1-based): chr17:7,222,253-7,222,255, GAG deleted; deleting any 3 consecutive bases within chr17:7,222,251-7,222,255 gives the same sequence; the c. name uses the placement nearest the transcript's 3' end. VCF-style (leftmost placement, unchanged base first): chr17-7222250-AAGG-A. GRCh37 (hg19) VCF-style: chr17-7125569-AAGG-A.
Other names: c.763_765del, p.Glu255del (NM_001033859.3); c.898_900del, p.Glu300del (NM_001270447.2); c.601_603del, p.Glu201del (NM_001270448.2); c.829_831del (NM_000018.3, NM_000018.2); c.829_831delGAG (NM_000018.4); short protein forms E277del, E255del, E300del, E201del.
Identifiers: ClinVar variation 203589 (VCV000203589.87), dbSNP rs796051913, ClinGen allele CA312283.

ClinVar aggregate classification (germline): Pathogenic/Likely pathogenic. Review status: criteria provided, multiple submitters, no conflicts (2 of 4 stars). 20 submissions from 20 submitters: Pathogenic (8); Likely pathogenic (10). 2 of the submissions do not count toward it. Last evaluated 2026-05-11.

Conditions:
ACADVL-related disorder. Also called: ACADVL-related condition.
Inborn genetic diseases. Identifiers: MedGen C0950123, MeSH D030342.
Very long chain acyl-CoA dehydrogenase deficiency (ACADVLD). Also called: VLCAD Deficiency; Very Long-Chain Acyl-Coenzyme A Dehydrogenase Deficiency. Identifiers: Orphanet 26793, MedGen C3887523, MONDO:0008723, OMIM 201475.

Submissions 1 to 12 of 20:

PreventionGenetics, part of Exact Sciences
Classification: Likely pathogenic for ACADVL-related condition. Last evaluated: 2026-05-11. Review status: criteria provided, single submitter. Criteria: ACMG Guidelines, 2015. Collection method: clinical testing. Allele origin: germline.
Comment: The ACADVL c.829_831delGAG variant is predicted to result in an in-frame deletion (p.Glu277del). This variant has been reported to be associated with very long chain acyl-CoA dehydrogenase deficiency (VLCADD) and has been observed in the compound heterozygous state in multiple patients (e.g., Spiekerkoetter et al. 2012. PubMed ID: 23430948; Yavarna et al. 2015. PubMed ID: 26077850; Pena et al. 2016. PubMed ID: 27209629; Knottnerus et al. 2020. PubMed ID: 32061778). Additionally, a similar variant involving an adjacent amino acid (c.833_835del; p.Lys278del) has also been observed in patients with VLCADD (Andresen et al. 1999. PubMed ID: 9973285; referred to as del830_32, delK238). This variant is reported in 0.026% of alleles in individuals of European (non-Finnish) descent in gnomAD. Based on the collective evidence, the ACADVL c.829_831del variant is classified as likely pathogenic.

Labcorp Genetics (formerly Invitae), Labcorp
Classification: Pathogenic for Very long chain acyl-CoA dehydrogenase deficiency. Last evaluated: 2026-02-02. Review status: criteria provided, single submitter. Criteria: Invitae Variant Classification Sherloc (09022015). Collection method: clinical testing. Allele origin: germline.
Comment: This variant, c.829_831del, results in the deletion of 1 amino acid(s) of the ACADVL protein (p.Glu277del), but otherwise preserves the integrity of the reading frame. This variant is present in population databases (rs149680575, gnomAD 0.03%). This variant has been observed in individual(s) with VLCAD deficiency (PMID: 23169530, 23430948, 27209629, 30194637). ClinVar contains an entry for this variant (Variation ID: 203589). Experimental studies and prediction algorithms are not available or were not evaluated, and the functional significance of this variant is currently unknown. For these reasons, this variant has been classified as Pathogenic.

Otogenetics
Classification: Pathogenic for Very long chain acyl-CoA dehydrogenase deficiency. Last evaluated: 2026-02-01. Review status: criteria provided, single submitter. Criteria: ACMG Guidelines, 2015. Collection method: clinical testing. Allele origin: germline.

Natera, Inc.
Classification: Likely pathogenic for Very long chain acyl-CoA dehydrogenase deficiency. Last evaluated: 2026-01-28. Review status: criteria provided, single submitter. Criteria: Natera Variant Classification Schema (03/2026). Collection method: clinical testing. Allele origin: germline.
Comment: The c.829_831delGAG variant in ACADVL is an in-frame deletion predicted to remove glutamic acid at amino acid 277 while preserving the reading frame. This variant is rare in the general population with a frequency below the threshold expected for the associated phenotype(s). This variant has been observed in one or more individuals affected with the associated recessive disease, as either homozygous or compound heterozygous with a second variant (PMID: 32518924, 32061778, 27209629, 30194637, 23430948). This variant results in a change to the protein length while preserving reading frame, which may disrupt normal protein structure or function. Computational prediction algorithms indicate this variant is likely to affect gene or protein function. Given the available evidence, this variant is classified as Likely Pathogenic.

GeneDx
Classification: Pathogenic. Last evaluated: 2025-08-05. Review status: criteria provided, single submitter. Criteria: GeneDx Variant Classification Process June 2021. Collection method: clinical testing. Allele origin: germline. Affected: yes.
Comment: In-frame deletion of 1 of amino acidin a non-repeat region predicted to critically alter the protein; In silico analysis supports a deleterious effect on protein structure/function; This variant is associated with the following publications: (PMID: 20547398, 23169530, 30194637, 27209629, 23430948, 32061778, 32778825, 32518924)

Revvity Omics, Revvity
Classification: Likely pathogenic for Very long chain acyl-CoA dehydrogenase deficiency. Last evaluated: 2025-07-10. Review status: criteria provided, single submitter. Criteria: ACMG Guidelines, 2015. Collection method: clinical testing. Allele origin: germline.

Blueprint Genetics
Classification: Likely pathogenic for ACADVL-related disorders. Last evaluated: 2024-10-03. Review status: criteria provided, single submitter. Criteria: ACMG Guidelines, 2015. Collection method: clinical testing. Allele origin: germline. Affected: yes. Observed: 5 variant alleles.

Fulgent Genetics
Classification: Pathogenic for Very long chain acyl-CoA dehydrogenase deficiency. Last evaluated: 2024-03-29. Review status: criteria provided, single submitter. Criteria: ACMG Guidelines, 2015. Collection method: clinical testing. Allele origin: germline.

Genomic Medicine Center of Excellence, King Faisal Specialist Hospital and Research Centre
Classification: Likely pathogenic for Very long chain acyl-CoA dehydrogenase deficiency. Last evaluated: 2024-03-29. Review status: criteria provided, single submitter. Criteria: ACMG Guidelines, 2015. Collection method: clinical testing. Allele origin: germline.

Baylor Genetics
Classification: Pathogenic for Very long chain acyl-CoA dehydrogenase deficiency. Last evaluated: 2024-03-23. Review status: criteria provided, single submitter. Criteria: ACMG Guidelines, 2015. Collection method: clinical testing. Allele origin: unknown.

ARUP Laboratories, Molecular Genetics and Genomics, ARUP Laboratories
Classification: Likely pathogenic for Very long chain acyl-CoA dehydrogenase deficiency. Last evaluated: 2023-03-20. Review status: criteria provided, single submitter. Criteria: ARUP Molecular Germline Variant Investigation Process 2024. Collection method: clinical testing. Allele origin: germline.
Comment: The ACADVL c.829_831delGAG; p.Glu277del (rs796051913), also known as Glu237del, has been detected in individuals affected with Very Long-Chain Acyl-Coenzyme A Dehydrogenase (VLCAD) deficiency and is described as a recurrent variant in positive newborn screening for VLCAD deficiency (Hesse 2018, Miller 2015, Pena 2016, Spiekerkoetter 2012). It is reported in ClinVar (Variation ID: 203589) and is observed in the general population at an overall frequency of 0.02% (46/277204 alleles) in the Genome Aggregation Database. This variant deletes a single glutamic acid residue leaving the rest of the protein in-frame. Additionally, other single amino acid deletions (Glu130del, Glu297del, Lys299del) have been reported in association with VLCAD deficiency (Brown 2014, Miller 2015, Pena 2016). Based on above information, this variant is considered likely pathogenic. References: Brown A et al. Neurodevelopmental profiles of children with very long chain acyl-CoA dehydrogenase deficiency diagnosed by newborn screening. Mol Genet Metab. 2014 Dec;113(4):278-82. PMID: 25456746. Hesse J et al. The diagnostic challenge in very-long chain acyl-CoA dehydrogenase deficiency (VLCADD). J Inherit Metab Dis. 2018 Nov;41(6):1169-1178. PMID: 30194637. Isackson P et al. Novel mutations in the gene encoding very long-chain acyl-CoA dehydrogenase identified in patients with partial carnitine palmitoyltransferase II deficiency. Muscle Nerve. 2013 Feb;47(2):224-9. PMID: 23169530. Miller MJ et al. Recurrent ACADVL molecular findings in individuals with a positive newborn screen for very long chain acyl-coA dehydrogenase (VLCAD) deficiency in the United States. Mol Genet Metab. 2015 Nov;116(3):139-45. PMID: 26385305. Pena LD et al. Outcomes and genotype-phenotype correlations in 52 individuals with VLCAD deficiency diagnosed by NBS and enrolled in the IBEM-IS database. Mol Genet Metab. 2016 Aug;118(4):272-81. PMID: 27209629. Spiekerkoetter U et al. Lethal Undiagnosed Very Long-Chain Acyl-CoA Dehydrogenase Deficiency with Mild C14-Acylcarnitine Abnormalities on Newborn Screening. JIMD Rep. 2012;6:113-5. PMID: 23430948.

Laboratory for Molecular Medicine, Mass General Brigham Personalized Medicine
Classification: Pathogenic for Very long chain acyl-CoA dehydrogenase deficiency. Last evaluated: 2022-06-30. Review status: criteria provided, single submitter. Criteria: ACMG Guidelines, 2015. Collection method: clinical testing. Allele origin: germline.
Comment: The p.Glu277del variant in ACADVL (also referred to as c.829_831delGAG in the literature) has been reported in six individuals with biochemical features of very long-chain acyl-CoA dehydrogenase deficiency including five compound heterozygotes (Pena 2016 PMID: 27209629, Adhikari 2020 PMID: 32778825, Knottnerus 2020 PMID: 32061778, Spiekerkoetter 2012 PMID: 23430948, Hesse 2018 PMID: 30194637). It has also been identified in 0.041% (28/68022) of European chromosomes by gnomAD and has been reported in ClinVar (Variation ID 203589). This variant is a deletion of one amino acid at position 277 and is not predicted to alter the protein reading-frame. Computational prediction tools and conservation analyses suggest that this variant may impact the protein, though this information is not predictive enough to determine pathogenicity. In vitro functional studies provide some evidence that this variant impacts protein function (Knottnerus 2020 PMID: 32061778, Spiekerkoetter 2012 PMID: 23430948); however, these types of assays may not accurately represent biological function. In summary, this variant meets criteria to be classified as pathogenic for autosomal recessive very long-chain acyl-CoA dehydrogenase deficiency. ACMG/AMP criteria applied with specifications by the ACADVL VCEP Expert Panel: PM3_Strong, PP4_Moderate, PM2_Supporting, PM4_Supporting, PP3, PS3_Moderate.